The following is an entry in ClinVar:

NM_000297.4(PKD2):c.1843G>A (p.Ala615Thr)

Gene: PKD2 (polycystin 2, transient receptor potential cation channel; plus strand). Cytogenetic location: 4q22.1.
Variant type: single nucleotide variant.
Coding change: c.1843G>A on transcript NM_000297.4 (MANE Select); coding-DNA position 1843, G replaced by A.
Protein change: p.Ala615Thr; replaces alanine 615 with threonine.
Molecular consequence: missense variant. On other transcripts: non-coding transcript variant (1).
Genome position (GRCh38, 1-based): chr4:88,056,212, G>A. VCF-style: chr4-88056212-G-A. GRCh37 (hg19) VCF-style: chr4-88977364-G-A.
Other names: c.1843G>A (NM_000297.3); short protein forms A615T.
Identifiers: ClinVar variation 2826111 (VCV002826111.6), dbSNP rs1216272782, ClinGen allele CA357622877.
Genomic context (GRCh38, chr4:88,056,212, plus strand): 5'-AAAGACCTGTTTGGCTTTGCTATTATGTTCTTCATTATTTTCCTAGCGTATGCTCAGTTG[G>A]CATACCTTGTCTTTGGCACTCAGGTCGATGACTTCAGTACTTTCCAAGAGTGTATGTAAG-3'
Protein context (NP_000288.1, residues 605-625): FIIFLAYAQL[Ala615Thr]YLVFGTQVDD

ClinVar aggregate classification (germline): Conflicting classifications of pathogenicity. Review status: criteria provided, conflicting classifications (1 of 4 stars). 3 submissions from 3 submitters: Likely pathogenic (2); Uncertain significance (1). Last evaluated 2025-09-15.

Conditions:
Polycystic kidney disease 2 (PKD2). Also called: Polycystic Kidney Disease 2, Autosomal Dominant; POLYCYSTIC KIDNEY DISEASE, ADULT, TYPE II; POLYCYSTIC KIDNEY DISEASE 2 WITH OR WITHOUT POLYCYSTIC LIVER DISEASE. Identifiers: MedGen C2751306, MONDO:0013131, OMIM 613095.
Autosomal dominant polycystic kidney disease. Identifiers: Orphanet 730, MedGen C0085413, MONDO:0004691.

Submissions (3):

Institute of Medical Genetics and Applied Genomics, University Hospital Tübingen
Classification: Likely pathogenic for Polycystic kidney disease 2. Last evaluated: 2025-09-15. Review status: criteria provided, single submitter. Criteria: ACMG Guidelines, 2015. Collection method: clinical testing. Allele origin: germline. Inheritance: Autosomal dominant inheritance. Affected: yes.

Victorian Clinical Genetics Services, Murdoch Childrens Research Institute
Classification: Uncertain significance for Polycystic kidney disease 2. Last evaluated: 2024-09-21. Review status: criteria provided, single submitter. Criteria: ACMG Guidelines, 2015. Collection method: clinical testing. Allele origin: germline. Inheritance: Autosomal dominant inheritance. Affected: yes.
Comment: Based on the classification scheme VCGS_Germline_v1.3.4, this variant is classified as VUS-3A. Following criteria are met: 0102 - Loss of function is a known mechanism of disease in this gene and is associated with polycystic kidney disease 2 (MIM#613095). (I) 0107 - This gene is associated with autosomal dominant disease. (I) 0200 - Variant is predicted to result in a missense amino acid change from alanine to threonine. (I) 0251 - This variant is heterozygous. (I) 0301 - Variant is absent from gnomAD (both v2 and v3). (SP) 0502 - Missense variant with conflicting in silico predictions and high conservation. (I) 0600 - Variant is located in the annotated polycystin cation channel domain (DECIPHER). (I) 0705 - No comparable missense variants have previous evidence for pathogenicity. (I) 0809 - Previous evidence of pathogenicity for this variant is inconclusive. This variant has previously been reported as a VUS. (I) 0905 - No published segregation evidence has been identified for this variant. (I) 1007 - No published functional evidence has been identified for this variant. (I) 1208 - Inheritance information for this variant is not currently available in this individual. (I) Legend: (SP) - Supporting pathogenic, (I) - Information, (SB) - Supporting benign

Labcorp Genetics (formerly Invitae), Labcorp
Classification: Likely pathogenic for Autosomal dominant polycystic kidney disease. Last evaluated: 2023-03-30. Review status: criteria provided, single submitter. Criteria: Invitae Variant Classification Sherloc (09022015). Collection method: clinical testing. Allele origin: germline.
Comment: In summary, the currently available evidence indicates that the variant is pathogenic, but additional data are needed to prove that conclusively. Therefore, this variant has been classified as Likely Pathogenic. Advanced modeling of protein sequence and biophysical properties (such as structural, functional, and spatial information, amino acid conservation, physicochemical variation, residue mobility, and thermodynamic stability) has been performed at Invitae for this missense variant, however the output from this modeling did not meet the statistical confidence thresholds required to predict the impact of this variant on PKD2 protein function. This missense change has been observed in individual(s) with clinical features of polycystic kidney disease (Invitae). In at least one individual the variant was observed to be de novo. This variant is not present in population databases (gnomAD no frequency). This sequence change replaces alanine, which is neutral and non-polar, with threonine, which is neutral and polar, at codon 615 of the PKD2 protein (p.Ala615Thr).